The following is an entry in ClinVar:

ClinVar aggregate classification (germline): Conflicting classifications of pathogenicity. Review status: criteria provided, conflicting classifications (1 of 4 stars). 5 submissions from 5 submitters: Uncertain significance (2); Likely benign (1). 2 of the submissions do not count toward it. Last evaluated 2025-12-09.

Allele frequency attached by ClinVar (database versions not stated): gnomAD exomes 0.00004 and 0.00009; ExAC 0.00005; ESP Exome Variant Server 0.00009; gnomAD 0.00012 and 0.00013; TOPMed 0.00013.
gnomAD v4.1: 108 of 1,207,089 alleles (0.0089%); highest among the groups gnomAD compares: Non-Finnish European, 0.012%; no homozygotes.

Submissions (5):

Labcorp Genetics (formerly Invitae), Labcorp
Classification: Uncertain significance. Last evaluated: 2025-12-09. Review status: criteria provided, single submitter. Criteria: Invitae Variant Classification Sherloc (09022015). Collection method: clinical testing. Allele origin: germline.
Comment: This sequence change replaces methionine, which is neutral and non-polar, with leucine, which is neutral and non-polar, at codon 626 of the SH3KBP1 protein (p.Met626Leu). This variant is present in population databases (rs199561036, gnomAD 0.01%). This variant has not been reported in the literature in individuals affected with SH3KBP1-related conditions. ClinVar contains an entry for this variant (Variation ID: 1206008). Invitae Evidence Modeling of protein sequence and biophysical properties (such as structural, functional, and spatial information, amino acid conservation, physicochemical variation, residue mobility, and thermodynamic stability) indicates that this missense variant is not expected to disrupt SH3KBP1 protein function with a negative predictive value of 80%. In summary, the available evidence is currently insufficient to determine the role of this variant in disease. Therefore, it has been classified as a Variant of Uncertain Significance.

Ambry Genetics
Classification: Uncertain significance. Last evaluated: 2023-12-26. Review status: criteria provided, single submitter. Criteria: Ambry Variant Classification Scheme 2023. Collection method: clinical testing. Allele origin: germline.

Blueprint Genetics
Classification: Likely benign. Last evaluated: 2022-08-02. Review status: criteria provided, single submitter. Criteria: ACMG Guidelines, 2015. Collection method: clinical testing. Allele origin: germline.

Clinical Genetics DNA and cytogenetics Diagnostics Lab, Erasmus MC, Erasmus Medical Center
Classification: Likely benign. Review status: no assertion criteria provided. Collection method: clinical testing. Allele origin: germline. Affected: yes. Study: VKGL Data-share Consensus. Not counted in ClinVar's aggregate classification.

Laboratory of Diagnostic Genome Analysis, Leiden University Medical Center (LUMC)
Classification: Likely benign. Review status: no assertion criteria provided. Collection method: clinical testing. Allele origin: germline. Affected: yes. Study: VKGL Data-share Consensus. Not counted in ClinVar's aggregate classification.

NM_031892.3(SH3KBP1):c.1876A>T (p.Met626Leu)

Gene: SH3KBP1 (SH3 domain containing kinase binding protein 1; minus strand). Cytogenetic location: Xp22.12.
Variant type: single nucleotide variant.
Coding change: c.1876A>T on transcript NM_031892.3 (MANE Select); coding-DNA position 1876, A replaced by T.
Protein change: p.Met626Leu; replaces methionine 626 with leucine.
Molecular consequence: missense variant.
Genome position (GRCh38, 1-based): chrX:19,541,941, T>A on the plus strand (A>T on the coding strand, the complement: SH3KBP1 is on the minus strand). VCF-style: chrX-19541941-T-A. GRCh37 (hg19) VCF-style: chrX-19560059-T-A.
Other names: c.1876A>T (NM_031892.2); c.1765A>T, p.Met589Leu (NM_001024666.3); c.1162A>T, p.Met388Leu (NM_001184960.2); c.1747A>T, p.Met583Leu (NM_001353890.2); c.1951A>T, p.Met651Leu (NM_001353891.2); c.1822A>T, p.Met608Leu (NM_001353892.2); c.1774A>T, p.Met592Leu (NM_001353893.2); c.1645A>T, p.Met549Leu (NM_001353894.2); and 2 more; short protein forms M345L, M388L, M549L, M568L, M583L, M589L, M592L, M608L.
Identifiers: ClinVar variation 1206008 (VCV001206008.10), dbSNP rs199561036, ClinGen allele CA10364426.
Genomic context (GRCh38, chrX:19,541,941, plus strand): 5'-AGAGCAACCTGGGTGACGGCCCCCAAGAGTCCCCAGGCACTCACTTCTGCTGGTCCTTCA[T>A]GGTCTCGATGATGCTCCTCAGCTCGCGGACCTGTGTCCTTAGCTCCTCCACGGCCGCCTG-3'
Protein context (NP_114098.1, residues 616-636): VRELRSIIET[Met626Leu]KDQQKREIKQ